The following is an entry in ClinVar:

ClinVar aggregate classification (germline): Pathogenic. Review status: criteria provided, single submitter (1 of 4 stars). 2 submissions from 2 submitters: Pathogenic (1). 1 of the submissions does not count toward it. Last evaluated 2025-10-21.

Conditions:
Tuberous sclerosis syndrome (TSC). Also called: Tuberous Sclerosis Complex; Tuberous sclerosis. Identifiers: Orphanet 805, MedGen C0041341, MONDO:0001734.

Submissions (2):

Genetic Services Laboratory, University of Chicago
Classification: Pathogenic. Last evaluated: 2025-10-21. Review status: criteria provided, single submitter. Criteria: ACMG Guidelines, 2015. Collection method: clinical testing. Allele origin: germline.
Comment: The c.881G>A variant: Results in an amino acid change, p.Gly294Glu. Affects a highly conserved amino acid residue located in a domain of the TSC2 protein that is known to be functional. Appears to be deleterious using several in-silico pathogenicity prediction tools. Has been previously described in individuals with TSC2-related disorders (PMID: 22867869). This variant has been demonstrated to segregate with TSC phenotypes in at least one family (PMID: 10205261). Has not been described in population databases such as gnomAD v4. Has been demonstrated by functional analyses to abolish the protein-protein interaction between TSC1 and TSC2 (PMID: 11747833) ClinVar contains an entry for this variant (Variation ID: 49403) Collectively, this evidence indicates that this variant is pathogenic

Tuberous sclerosis database (TSC2)
No classification provided. Condition: TSC. Review status: no classification provided. Criteria: Tuberous Sclerosis Database Assertion Criteria 2015. Collection method: curation. Allele origin: germline. Affected: yes. Not counted in ClinVar's aggregate classification.

NM_000548.5(TSC2):c.881G>A (p.Gly294Glu)

Gene: TSC2 (TSC complex subunit 2; plus strand). Cytogenetic location: 16p13.3.
Variant type: single nucleotide variant.
Coding change: c.881G>A on transcript NM_000548.5 (MANE Select); coding-DNA position 881, G replaced by A.
Protein change: p.Gly294Glu; replaces glycine 294 with glutamic acid.
Molecular consequence: missense variant.
Genome position (GRCh38, 1-based): chr16:2,058,779, G>A. VCF-style: chr16-2058779-G-A. GRCh37 (hg19) VCF-style: chr16-2108780-G-A.
Other names: c.881G>A, p.Gly294Glu (NM_001077183.3, NM_001114382.3, NM_001363528.2 and 3 more transcripts); c.770G>A, p.Gly257Glu (NM_001318827.2); c.734G>A, p.Gly245Glu (NM_001318829.2); c.281G>A, p.Gly94Glu (NM_001318831.2); c.914G>A, p.Gly305Glu (NM_001318832.2); c.881G>A (NM_000548.4); short protein forms G294E, G245E, G257E, G305E, G94E.
Identifiers: ClinVar variation 49403 (VCV000049403.3), dbSNP rs45487497, ClinGen allele CA023078.